The following is an entry in ClinVar:

ClinVar aggregate classification (germline): Pathogenic/Likely pathogenic. Review status: criteria provided, multiple submitters, no conflicts (2 of 4 stars). 3 submissions from 3 submitters: Pathogenic (1); Likely pathogenic (2). Last evaluated 2025-08-06.

Conditions:
Cardiovascular phenotype. Identifiers: MedGen CN230736.
Hereditary cancer-predisposing syndrome. Also called: Hereditary neoplastic syndrome; Tumor predisposition; Neoplastic Syndromes, Hereditary; Hereditary Cancer Syndrome. Identifiers: Orphanet 140162, MedGen C0027672, MeSH D009386, MONDO:0015356.
Neurofibromatosis, type 1 (NF1). Also called: VON RECKLINGHAUSEN DISEASE; NEUROFIBROMATOSIS, TYPE I, SOMATIC; Peripheral type neurofibromatosis; Neurofibromatosis, type I. Identifiers: Orphanet 636, MedGen C0027831, MONDO:0018975, OMIM 162200. Disease mechanism: loss of function.

Submissions (3):

Ambry Genetics
Classification: Likely pathogenic for Cardiovascular phenotype; Hereditary cancer-predisposing syndrome. Last evaluated: 2025-08-06. Review status: criteria provided, single submitter. Criteria: Ambry Variant Classification Scheme 2023. Collection method: clinical testing. Allele origin: germline.
Comment: The p.L1390P variant (also known as c.4169T>C), located in coding exon 31 of the NF1 gene, results from a T to C substitution at nucleotide position 4169. The leucine at codon 1390 is replaced by proline, an amino acid with similar properties. This variant has been reported in individuals with features consistent with Neurofibromatosis type 1 (Hazan F et al. Neurol Sci, 2021 May;42:2045-2057; Hazan F et al. Neurol Sci, 2021 May;42:2045-2057; Hol JA et al. J Clin Oncol, 2022 Jun;40:1892-1902). Another variant at the same codon,p.L1390F c.4168C>T, has been identified in individual(s) with features consistent with Neurofibromatosis type 1 (Nystr&ouml;m AM et al. Clin. Genet, 2009 Dec; 76:524-34; Ambry internal data). This amino acid position is highly conserved in available vertebrate species. In addition, this alteration is predicted to be deleterious by in silico analysis. This variant is considered to be rare based on population cohorts in the Genome Aggregation Database (gnomAD). Based on the majority of available evidence to date, this variant is likely to be pathogenic.

Labcorp Genetics (formerly Invitae), Labcorp
Classification: Pathogenic for Neurofibromatosis, type 1. Last evaluated: 2021-04-09. Review status: criteria provided, single submitter. Criteria: Invitae Variant Classification Sherloc (09022015). Collection method: clinical testing. Allele origin: germline.
Comment: For these reasons, this variant has been classified as Pathogenic. This variant disrupts the p.Leu1390 amino acid residue in NF1. Other variant(s) that disrupt this residue have been determined to be pathogenic (PMID: 19845691). This suggests that this residue is clinically significant, and that variants that disrupt this residue are likely to be disease-causing. Advanced modeling of protein sequence and biophysical properties (such as structural, functional, and spatial information, amino acid conservation, physicochemical variation, residue mobility, and thermodynamic stability) performed at Invitae indicates that this missense variant is expected to disrupt NF1 protein function. This variant has been observed in individual(s) with neurofibromatosis type 1 (PMID: 16835897). This variant is not present in population databases (ExAC no frequency). This sequence change replaces leucine with proline at codon 1390 of the NF1 protein (p.Leu1390Pro). The leucine residue is highly conserved and there is a moderate physicochemical difference between leucine and proline.

Clinical Biomedical Laboratory, Shriners Hospital For Children - Canada
Classification: Likely pathogenic for Neurofibromatosis, type 1. Review status: criteria provided, single submitter. Criteria: ACMG Guidelines, 2015. Collection method: clinical testing. Allele origin: germline. Affected: yes.
Comment: This variant is predicted to substitute a leucine residue by a proline residue in NF1. The variant is absent in the Genome Aggregation Database (gnomAD v2.1.1), indicating it is very rare. Computational tools (REVEL: 0.92) suggest that the amino acid change is damaging to protein function. A different nucleotide substitution at the same location is classified as pathogenic in ClinVar by several submitters (c.4232T>G, p.Leu1411Arg; Variation ID 2092452). Based on the ACMG variant interpretation guidelines (criteria: PM2, PM5, PP2, PP3, PP4), the available evidence supports classification of this variant as likely pathogenic.

Literature cited by the submitters: PubMed 16835897 (cited by Ambry Genetics and Labcorp Genetics (formerly Invitae), Labcorp); PubMed 33443663 (cited by Ambry Genetics); PubMed 35230882 (cited by Ambry Genetics); PubMed 19845691 (cited by Labcorp Genetics (formerly Invitae), Labcorp).

NM_001042492.3(NF1):c.4232T>C (p.Leu1411Pro)

Gene: NF1 (neurofibromin 1; plus strand). Cytogenetic location: 17q11.2.
Variant type: single nucleotide variant.
Coding change: c.4232T>C on transcript NM_001042492.3 (MANE Select); coding-DNA position 4232, T replaced by C.
Protein change: p.Leu1411Pro; replaces leucine 1411 with proline.
Molecular consequence: missense variant.
Genome position (GRCh38, 1-based): chr17:31,258,402, T>C. VCF-style: chr17-31258402-T-C. GRCh37 (hg19) VCF-style: chr17-29585420-T-C.
Other names: c.4169T>C, p.Leu1390Pro (NM_000267.4); short protein forms L1390P, L1411P.
Identifiers: ClinVar variation 955704 (VCV000955704.5), dbSNP rs2067621676, ClinGen allele CA398997831.